The following is an entry in ClinVar:

ClinVar aggregate classification (germline): Uncertain significance (1 of 4 stars; one submission).

Conditions:
Charcot-Marie-Tooth disease dominant intermediate E. Also called: CHARCOT-MARIE-TOOTH NEUROPATHY WITH FOCAL SEGMENTAL GLOMERULONEPHRITIS. Identifiers: Orphanet 93114, MedGen C4302667, MONDO:0013758, OMIM 614455.
Focal segmental glomerulosclerosis 5 (FSGS5). Identifiers: Orphanet 656, MedGen C2750475, MONDO:0013191, OMIM 613237.

Allele frequency attached by ClinVar (database versions not stated): TOPMed below 0.00001; gnomAD 0.00001.
gnomAD v4.1: 1 of 1,613,508 alleles (0.000062%); highest among the groups gnomAD compares: East Asian, 0.0022%; no homozygotes.

Submission:

Labcorp Genetics (formerly Invitae), Labcorp
Classification: Uncertain significance for Charcot-Marie-Tooth disease dominant intermediate E; Focal segmental glomerulosclerosis 5. Last evaluated: 2023-08-24. Review status: criteria provided, single submitter. Criteria: Invitae Variant Classification Sherloc (09022015). Collection method: clinical testing. Allele origin: germline.
Comment: Advanced modeling of protein sequence and biophysical properties (such as structural, functional, and spatial information, amino acid conservation, physicochemical variation, residue mobility, and thermodynamic stability) performed at Invitae indicates that this missense variant is not expected to disrupt INF2 protein function. In summary, the available evidence is currently insufficient to determine the role of this variant in disease. Therefore, it has been classified as a Variant of Uncertain Significance. Algorithms developed to predict the effect of sequence changes on RNA splicing suggest that this variant may create or strengthen a splice site. This variant has not been reported in the literature in individuals affected with INF2-related conditions. This variant is not present in population databases (gnomAD no frequency). This sequence change replaces aspartic acid, which is acidic and polar, with glutamic acid, which is acidic and polar, at codon 1239 of the INF2 protein (p.Asp1239Glu).

NM_022489.4(INF2):c.3717T>A (p.Asp1239Glu)

Gene: INF2 (inverted formin 2; plus strand). Cytogenetic location: 14q32.33.
Variant type: single nucleotide variant.
Coding change: c.3717T>A on transcript NM_022489.4 (MANE Select); coding-DNA position 3717, T replaced by A.
Protein change: p.Asp1239Glu; replaces aspartic acid 1239 with glutamic acid.
Molecular consequence: missense variant. On other transcripts: intron variant (1).
Genome position (GRCh38, 1-based): chr14:104,715,306, T>A. VCF-style: chr14-104715306-T-A. GRCh37 (hg19) VCF-style: chr14-105181643-T-A.
Other names: c.3717T>A, p.Asp1239Glu (NM_001426863.1, NM_001426864.1); c.3694+450T>A (NM_001031714.4); short protein forms D1239E.
Identifiers: ClinVar variation 2951251 (VCV002951251.3), dbSNP rs748770666, ClinGen allele CA391226224.